The following is an entry in ClinVar:

NM_000152.5(GAA):c.1253A>G (p.Lys418Arg)

Gene: GAA (alpha glucosidase; plus strand). Cytogenetic location: 17q25.3.
Variant type: single nucleotide variant.
Coding change: c.1253A>G on transcript NM_000152.5 (MANE Select); coding-DNA position 1253, A replaced by G.
Protein change: p.Lys418Arg; replaces lysine 418 with arginine.
Molecular consequence: missense variant.
Genome position (GRCh38, 1-based): chr17:80,108,755, A>G. VCF-style: chr17-80108755-A-G. GRCh37 (hg19) VCF-style: chr17-78082554-A-G.
Other names: c.1253A>G, p.Lys418Arg (NM_001079803.3, NM_001079804.3); short protein forms K418R.
Identifiers: ClinVar variation 970764 (VCV000970764.10), dbSNP rs2039159106, ClinGen allele CA401365283.

ClinVar aggregate classification (germline): Uncertain significance. Review status: criteria provided, single submitter (1 of 4 stars). 2 submissions from 2 submitters: Uncertain significance (1). 1 of the submissions does not count toward it. Last evaluated 2022-08-23.

Conditions:
Glycogen storage disease, type II (IOPD). Also called: Glucosidase acid-1,4-alpha deficiency; Pompe Disease; GLYCOGENOSIS, GENERALIZED, CARDIAC FORM; GSD II; Glycogen storage disease type 2; Acid maltase deficiency disease. Identifiers: Orphanet 365, MedGen C0017921, MONDO:0009290, OMIM 232300.

Allele frequency attached by ClinVar (database versions not stated): gnomAD exomes below 0.00001.
gnomAD v4.1: 1 of 1,611,902 alleles (0.000062%); highest among the groups gnomAD compares: Non-Finnish European, 0.000085%; no homozygotes.

Submissions (2):

Labcorp Genetics (formerly Invitae), Labcorp
Classification: Uncertain significance for Glycogen storage disease, type II. Last evaluated: 2022-08-23. Review status: criteria provided, single submitter. Criteria: Invitae Variant Classification Sherloc (09022015). Collection method: clinical testing. Allele origin: germline.
Comment: This sequence change replaces lysine, which is basic and polar, with arginine, which is basic and polar, at codon 418 of the GAA protein (p.Lys418Arg). This variant is not present in population databases (gnomAD no frequency). This variant has not been reported in the literature in individuals affected with GAA-related conditions. ClinVar contains an entry for this variant (Variation ID: 970764). Advanced modeling of protein sequence and biophysical properties (such as structural, functional, and spatial information, amino acid conservation, physicochemical variation, residue mobility, and thermodynamic stability) performed at Invitae indicates that this missense variant is not expected to disrupt GAA protein function. Algorithms developed to predict the effect of sequence changes on RNA splicing suggest that this variant may create or strengthen a splice site. In summary, the available evidence is currently insufficient to determine the role of this variant in disease. Therefore, it has been classified as a Variant of Uncertain Significance.

Natera, Inc.
Classification: Uncertain significance for Glycogen storage disease type II. Last evaluated: 2020-09-21. Review status: no assertion criteria provided. Collection method: clinical testing. Allele origin: germline. Not counted in ClinVar's aggregate classification.